The following is an entry in ClinVar:

ClinVar aggregate classification (germline): Uncertain significance. Review status: criteria provided, multiple submitters, no conflicts (2 of 4 stars). 3 submissions from 3 submitters: Uncertain significance (3). Last evaluated 2024-10-08.

Conditions:
Spermatogenic failure 18. Identifiers: MedGen C4539783, MONDO:0054615, OMIM 617576.
Ciliary dyskinesia, primary, 37 (CILD37). Also called: CILIARY DYSKINESIA, PRIMARY, 37, WITH OR WITHOUT SITUS INVERSUS. Identifiers: MedGen C4539798, MONDO:0033204, OMIM 617577.

Allele frequency attached by ClinVar (database versions not stated): TOPMed 0.00004; ESP Exome Variant Server 0.00016.
gnomAD v4.1: 121 of 1,613,892 alleles (0.0075%); highest among the groups gnomAD compares: Non-Finnish European, 0.0092%; no homozygotes.

Submissions (3):

Labcorp Genetics (formerly Invitae), Labcorp
Classification: Uncertain significance for Ciliary dyskinesia, primary, 37; Spermatogenic failure 18. Last evaluated: 2024-10-08. Review status: criteria provided, single submitter. Criteria: Invitae Variant Classification Sherloc (09022015). Collection method: clinical testing. Allele origin: germline.
Comment: This sequence change replaces threonine, which is neutral and polar, with serine, which is neutral and polar, at codon 2068 of the DNAH1 protein (p.Thr2068Ser). This variant is present in population databases (rs138341550, gnomAD 0.004%). This variant has not been reported in the literature in individuals affected with DNAH1-related conditions. ClinVar contains an entry for this variant (Variation ID: 544615). Invitae Evidence Modeling of protein sequence and biophysical properties (such as structural, functional, and spatial information, amino acid conservation, physicochemical variation, residue mobility, and thermodynamic stability) indicates that this missense variant is expected to disrupt DNAH1 protein function with a positive predictive value of 80%. In summary, the available evidence is currently insufficient to determine the role of this variant in disease. Therefore, it has been classified as a Variant of Uncertain Significance.

Blueprint Genetics
Classification: Uncertain significance. Last evaluated: 2024-07-25. Review status: criteria provided, single submitter. Criteria: ACMG Guidelines, 2015. Collection method: clinical testing. Allele origin: germline.

Ambry Genetics
Classification: Uncertain significance. Last evaluated: 2024-03-29. Review status: criteria provided, single submitter. Criteria: Ambry Variant Classification Scheme 2023. Collection method: clinical testing. Allele origin: germline.

NM_015512.5(DNAH1):c.6203C>G (p.Thr2068Ser)

Gene: DNAH1 (dynein axonemal heavy chain 1; plus strand). Cytogenetic location: 3p21.1.
Variant type: single nucleotide variant.
Coding change: c.6203C>G on transcript NM_015512.5 (MANE Select); coding-DNA position 6203, C replaced by G.
Protein change: p.Thr2068Ser; replaces threonine 2068 with serine.
Molecular consequence: missense variant.
Genome position (GRCh38, 1-based): chr3:52,370,174, C>G. VCF-style: chr3-52370174-C-G. GRCh37 (hg19) VCF-style: chr3-52404190-C-G.
Other names: short protein forms T2068S.
Identifiers: ClinVar variation 544615 (VCV000544615.9), dbSNP rs138341550, ClinGen allele CA2434452.
Genomic context (GRCh38, chr3:52,370,174, plus strand): 5'-CCATCTCCTTCGTTCGGTCCTCAGTGAAGGAGGTGATCGCCTCAACCAACTGCAACCTGA[C>G]CATGAGCCTCCTCAAGCTGCTGGACTGCTTCTTCAAGCCCTTTCTGCCTAGAGAGGTACA-3'
Protein context (NP_056327.4, residues 2058-2078): EVIASTNCNL[Thr2068Ser]MSLLKLLDCF